The following is an entry in ClinVar:

ClinVar aggregate classification (germline): Uncertain significance (1 of 4 stars; one submission).

Conditions:
Dilated cardiomyopathy 1HH (CMD1HH). Identifiers: Orphanet 154, MedGen C3151293, MONDO:0013479, OMIM 613881.
Myofibrillar myopathy 6. Identifiers: Orphanet 199340, MedGen C2751831, MONDO:0013061, OMIM 612954.

Allele frequency attached by ClinVar (database versions not stated): gnomAD exomes below 0.00001.

Submission:

Labcorp Genetics (formerly Invitae), Labcorp
Classification: Uncertain significance for Dilated cardiomyopathy 1HH; Myofibrillar myopathy 6. Last evaluated: 2021-06-16. Review status: criteria provided, single submitter. Criteria: Invitae Variant Classification Sherloc (09022015). Collection method: clinical testing. Allele origin: germline.
Comment: In summary, the available evidence is currently insufficient to determine the role of this variant in disease. Therefore, it has been classified as a Variant of Uncertain Significance. Experimental studies and prediction algorithms are not available or were not evaluated, and the functional significance of this variant is currently unknown. This variant has not been reported in the literature in individuals with BAG3-related conditions. This variant is not present in population databases (ExAC no frequency). This sequence change results in a frameshift in the BAG3 gene (p.Ala573Glyfs*9). While this is not anticipated to result in nonsense mediated decay, it is expected to disrupt the last 3 amino acid(s) of the BAG3 protein and extend the protein by 5 additional amino acid residues.

NM_004281.4(BAG3):c.1717dup (p.Ala573fs)

Gene: BAG3 (BAG cochaperone 3; plus strand). Cytogenetic location: 10q26.11.
Variant type: Duplication.
Coding change: c.1717dup on transcript NM_004281.4 (MANE Select); coding-DNA position 1717, one base duplicated (G; older notation c.1717dupG).
Protein change: p.Ala573fs; shifts the reading frame from alanine 573.
Molecular consequence: frameshift variant.
Genome position (GRCh38, 1-based): chr10:119,677,271, G duplicated. VCF-style (leftmost placement, unchanged base first): chr10-119677270-A-AG. GRCh37 (hg19) VCF-style: chr10-121436782-A-AG.
Other names: short protein forms A573fs.
Identifiers: ClinVar variation 1361778 (VCV001361778.6), dbSNP rs2134069610, ClinGen allele CA2573145594.